The following is an entry in ClinVar:

NM_015922.3(NSDHL):c.592A>C (p.Ile198Leu)

Gene: NSDHL (NAD(P) dependent 3-beta-hydroxysteroid dehydrogenase NSDHL; plus strand). Cytogenetic location: Xq28.
Variant type: single nucleotide variant.
Coding change: c.592A>C on transcript NM_015922.3 (MANE Select); coding-DNA position 592, A replaced by C.
Protein change: p.Ile198Leu; replaces isoleucine 198 with leucine.
Molecular consequence: missense variant.
Genome position (GRCh38, 1-based): chrX:152,865,867, A>C. VCF-style: chrX-152865867-A-C. GRCh37 (hg19) VCF-style: chrX-152034411-A-C.
Other names: c.592A>C, p.Ile198Leu (NM_001129765.2); c.592A>C (NM_015922.2); short protein forms I198L.
Identifiers: ClinVar variation 1608183 (VCV001608183.11), dbSNP rs143684465, ClinGen allele CA10544796.

ClinVar aggregate classification (germline): Benign/Likely benign. Review status: criteria provided, multiple submitters, no conflicts (2 of 4 stars). 3 submissions from 3 submitters: Benign (1); Likely benign (1). 1 of the submissions does not count toward it. Last evaluated 2024-09-04.

Conditions:
Inborn genetic diseases. Identifiers: MedGen C0950123, MeSH D030342.
NSDHL-related disorder. Also called: NSDHL-Related Disorders; NSDHL-related condition. Identifiers: MedGen CN381535.

Allele frequency attached by ClinVar (database versions not stated): gnomAD exomes 0.00001 and 0.00005; ExAC 0.00008; gnomAD 0.00017 and 0.00019; TOPMed 0.00019; ESP Exome Variant Server 0.00028.
gnomAD v4.1: 32 of 1,211,271 alleles (0.0026%); highest among the groups gnomAD compares: African/African-American, 0.054%; no homozygotes.

Submissions (3):

Ambry Genetics
Classification: Likely benign for Inborn genetic diseases. Last evaluated: 2024-09-04. Review status: criteria provided, single submitter. Criteria: Ambry Variant Classification Scheme 2023. Collection method: clinical testing. Allele origin: germline.

Labcorp Genetics (formerly Invitae), Labcorp
Classification: Benign. Last evaluated: 2022-09-07. Review status: criteria provided, single submitter. Criteria: Invitae Variant Classification Sherloc (09022015). Collection method: clinical testing. Allele origin: germline.

PreventionGenetics, part of Exact Sciences
Classification: Likely benign for NSDHL-related condition. Last evaluated: 2022-05-02. Review status: no assertion criteria provided. Collection method: clinical testing. Allele origin: germline. Not counted in ClinVar's aggregate classification.
Comment: This variant is classified as likely benign based on ACMG/AMP sequence variant interpretation guidelines (Richards et al. 2015 PMID: 25741868, with internal and published modifications).